The following is an entry in ClinVar:

NM_170707.4(LMNA):c.1613T>C (p.Val538Ala)

Gene: LMNA (lamin A/C; plus strand). Cytogenetic location: 1q22.
Variant type: single nucleotide variant.
Coding change: c.1613T>C on transcript NM_170707.4 (MANE Select); coding-DNA position 1613, T replaced by C.
Protein change: p.Val538Ala; replaces valine 538 with alanine.
Molecular consequence: missense variant. On other transcripts: intron variant (1).
Genome position (GRCh38, 1-based): chr1:156,137,658, T>C. VCF-style: chr1-156137658-T-C. GRCh37 (hg19) VCF-style: chr1-156107449-T-C.
Other names: c.1277T>C, p.Val426Ala (NM_001257374.3); c.1370T>C, p.Val457Ala (NM_001282624.2); c.1613T>C, p.Val538Ala (NM_001282625.2, NM_001282626.2, NM_005572.4); c.1608+426T>C (NM_170708.4); short protein forms V426A, V457A, V538A.
Identifiers: ClinVar variation 1677884 (VCV001677884.6), dbSNP rs766555060, ClinGen allele CA050838.

ClinVar aggregate classification (germline): Uncertain significance. Review status: criteria provided, multiple submitters, no conflicts (2 of 4 stars). 2 submissions from 2 submitters: Uncertain significance (2). Last evaluated 2026-01-19.

Conditions:
Charcot-Marie-Tooth disease type 2. Also called: Charcot-Marie-Tooth type 2. Identifiers: Orphanet 64746, MedGen C0270914, MONDO:0018993.

Submissions (2):

Labcorp Genetics (formerly Invitae), Labcorp
Classification: Uncertain significance for Charcot-Marie-Tooth disease type 2. Last evaluated: 2026-01-19. Review status: criteria provided, single submitter. Criteria: Invitae Variant Classification Sherloc (09022015). Collection method: clinical testing. Allele origin: germline.
Comment: This sequence change replaces valine, which is neutral and non-polar, with alanine, which is neutral and non-polar, at codon 538 of the LMNA protein (p.Val538Ala). This variant is not present in population databases (gnomAD no frequency). This variant has not been reported in the literature in individuals affected with LMNA-related conditions. ClinVar contains an entry for this variant (Variation ID: 1677884). Invitae Evidence Modeling of protein sequence and biophysical properties (such as structural, functional, and spatial information, amino acid conservation, physicochemical variation, residue mobility, and thermodynamic stability) indicates that this missense variant is expected to disrupt LMNA protein function with a positive predictive value of 95%. In summary, the available evidence is currently insufficient to determine the role of this variant in disease. Therefore, it has been classified as a Variant of Uncertain Significance.

AiLife Diagnostics
Classification: Uncertain significance. Last evaluated: 2022-02-02. Review status: criteria provided, single submitter. Criteria: ACMG Guidelines, 2015. Collection method: clinical testing. Allele origin: germline. Affected: yes. Observed: 1 variant allele.